The following is an entry in ClinVar:

NM_017780.4(CHD7):c.689C>A (p.Ser230Ter)

Gene: CHD7 (chromodomain helicase DNA binding protein 7; plus strand). Cytogenetic location: 8q12.2.
Variant type: single nucleotide variant.
Coding change: c.689C>A on transcript NM_017780.4 (MANE Select); coding-DNA position 689, C replaced by A.
Protein change: p.Ser230Ter; replaces serine 230 with a stop codon.
Molecular consequence: nonsense.
Genome position (GRCh38, 1-based): chr8:60,742,121, C>A. VCF-style: chr8-60742121-C-A. GRCh37 (hg19) VCF-style: chr8-61654680-C-A.
Other names: c.689C>A, p.Ser230Ter (NM_001316690.1); short protein forms S230*.
Identifiers: ClinVar variation 935346 (VCV000935346.9), dbSNP rs1809062715, ClinGen allele CA371298840.

ClinVar aggregate classification (germline): Pathogenic (1 of 4 stars; one submission).

Conditions:
CHARGE syndrome (CHARGE). Also called: Hittner Hirsch Kreh syndrome; Coloboma, heart anomaly, choanal atresia, retardation, genital and ear anomalies; CHARGE association; Hall-Hittner syndrome; CHARGE ASSOCIATION--COLOBOMA, HEART ANOMALY, CHOANAL ATRESIA, RETARDATION, GENITAL AND EAR ANOMALIES. Identifiers: Orphanet 138, MedGen C0265354, MONDO:0008965.

Submission:

Labcorp Genetics (formerly Invitae), Labcorp
Classification: Pathogenic for CHARGE syndrome. Last evaluated: 2019-06-26. Review status: criteria provided, single submitter. Criteria: Invitae Variant Classification Sherloc (09022015). Collection method: clinical testing. Allele origin: germline.
Comment: For these reasons, this variant has been classified as Pathogenic. Loss-of-function variants in CHD7 are known to be pathogenic (PMID: 22461308, 25077900). This nonsense change has been observed in an individual affected with CHARGE syndrome and Omenn syndrome (PMID: 18505430). This variant is not present in population databases (ExAC no frequency). This sequence change creates a premature translational stop signal (p.Ser230*) in the CHD7 gene. It is expected to result in an absent or disrupted protein product.

Literature cited by the submitters: PubMed 22461308; PubMed 25077900; PubMed 18505430.